The following is an entry in ClinVar:

ClinVar aggregate classification (germline): Pathogenic (1 of 4 stars; one submission).

Conditions:
Hereditary cancer-predisposing syndrome. Also called: Neoplastic Syndromes, Hereditary; Tumor predisposition; Hereditary neoplastic syndrome; Hereditary Cancer Syndrome. Identifiers: Orphanet 140162, MedGen C0027672, MeSH D009386, MONDO:0015356.

Submission:

Ambry Genetics
Classification: Pathogenic for Hereditary cancer-predisposing syndrome. Last evaluated: 2019-10-18. Review status: criteria provided, single submitter. Criteria: Ambry Variant Classification Scheme 2023. Collection method: clinical testing. Allele origin: germline.
Comment: The c.4636_4638delTACinsGA pathogenic mutation, located in coding exon 22 of the DICER1 gene, results from the deletion of 3 nucleotides and insertion of two nucleotides causing a translational frameshift with a predicted alternate stop codon (p.Y1546Efs*14). This alteration is expected to result in loss of function by premature protein truncation or nonsense-mediated mRNA decay. As such, this alteration is interpreted as a disease-causing mutation.

NM_177438.3(DICER1):c.4636_4638delinsGA (p.Tyr1546fs)

Gene: DICER1 (dicer 1, ribonuclease III; minus strand). Cytogenetic location: 14q32.13.
Variant type: Indel.
Coding change: c.4636_4638delinsGA on transcript NM_177438.3 (MANE Select); coding-DNA positions 4636 to 4638, TAC replaced by GA.
Protein change: p.Tyr1546fs; shifts the reading frame from tyrosine 1546.
Molecular consequence: frameshift variant.
Genome position (GRCh38, 1-based): chr14:95,096,282-95,096,284, GTA replaced by TC on the plus strand (TAC replaced by GA on the coding strand, the reverse complement: DICER1 is on the minus strand). VCF-style: chr14-95096282-GTA-TC. GRCh37 (hg19) VCF-style: chr14-95562619-GTA-TC.
Other names: c.4636_4638delinsGA, p.Tyr1546fs (NM_001195573.1, NM_001271282.3, NM_001291628.2 and 1 more transcripts); short protein forms Y1546fs.
Identifiers: ClinVar variation 825058 (VCV000825058.4), dbSNP rs1595340380, ClinGen allele CA915946360.
Genomic context (GRCh38, chr14:95,096,282, plus strand): 5'-CAGGGCTTCCACACAGTCCGCTATGCTTTTGTCAGCAATACACTGCTCAGTGTGCAAGTC[GTA>TC]AGAAATGGACTGCTTTCCCGTGTCAACACCACAGTTTTCTTCTGATGGATTCCAGAACCC-3'